The following is an entry in ClinVar:

NM_006160.4(NEUROD2):c.42C>G (p.Asp14Glu)

Gene: NEUROD2 (neuronal differentiation 2; minus strand). Cytogenetic location: 17q12.
Variant type: single nucleotide variant.
Coding change: c.42C>G on transcript NM_006160.4 (MANE Select); coding-DNA position 42, C replaced by G.
Protein change: p.Asp14Glu; replaces aspartic acid 14 with glutamic acid.
Molecular consequence: missense variant.
Genome position (GRCh38, 1-based): chr17:39,606,558, G>C on the plus strand (C>G on the coding strand, the complement: NEUROD2 is on the minus strand). VCF-style: chr17-39606558-G-C. GRCh37 (hg19) VCF-style: chr17-37762811-G-C.
Other names: short protein forms D14E.
Identifiers: ClinVar variation 3360001 (VCV003360001.1).
Genomic context (GRCh38, chr17:39,606,558, plus strand): 5'-GCCCTTGTCGCTCCTCGGCTCGTCGTCTTCGCCGTCGCCCCAGCTGGCGAACTTGGGCAC[G>C]TCCGAGAGAAGGCCGGGCTCGCTGAACAGGCGGGTCAGCATGGTGCCTGAGGGCGCCCCG-3'
Protein context (NP_006151.3, residues 4-24): RLFSEPGLLS[Asp14Glu]VPKFASWGDG

ClinVar aggregate classification (germline): Uncertain significance (1 of 4 stars; one submission).

Submission:

GeneDx
Classification: Uncertain significance. Last evaluated: 2023-06-20. Review status: criteria provided, single submitter. Criteria: GeneDx Variant Classification Process June 2021. Collection method: clinical testing. Allele origin: germline. Affected: yes.
Comment: In silico analysis supports that this missense variant does not alter protein structure/function; Has not been previously published as pathogenic or benign to our knowledge